The following is an entry in ClinVar:

ClinVar aggregate classification (germline): Pathogenic/Likely pathogenic. Review status: criteria provided, multiple submitters, no conflicts (2 of 4 stars). 7 submissions from 7 submitters: Pathogenic (4); Likely pathogenic (2). 1 of the submissions does not count toward it. Last evaluated 2026-01-12.

Conditions:
TTN-related disorder. Also called: TTN-related disorders; TTN-related condition; TTN-related disease.
Autosomal recessive limb-girdle muscular dystrophy type 2J (LGMDR10). Also called: Limb-girdle muscular dystrophy, type 2J; MUSCULAR DYSTROPHY, LIMB-GIRDLE, AUTOSOMAL RECESSIVE 10. Identifiers: Orphanet 140922, MedGen C1837342, MONDO:0012127, OMIM 608807.
Dilated cardiomyopathy 1G (CMD1G). Identifiers: Orphanet 154, MedGen C1858763, MONDO:0011400, OMIM 604145.
Cardiovascular phenotype. Identifiers: MedGen CN230736.
Early-onset myopathy with fatal cardiomyopathy (CMYO5). Also called: Salih Myopathy; CONGENITAL MYOPATHY 5 WITH CARDIOMYOPATHY. Identifiers: Orphanet 289377, MedGen C2673677, MONDO:0012714, OMIM 611705. Disease mechanism: loss of function.

Allele frequency attached by ClinVar (database versions not stated): gnomAD exomes 0.00001 and 0.00002; ExAC 0.00002; gnomAD 0.00002; TOPMed 0.00003; ESP Exome Variant Server 0.00008.
gnomAD v4.1: 35 of 1,610,942 alleles (0.0022%); highest among the groups gnomAD compares: Non-Finnish European, 0.0026%; no homozygotes.

Submissions (7):

PreventionGenetics, part of Exact Sciences
Classification: Pathogenic for TTN-related condition. Last evaluated: 2026-01-12. Review status: criteria provided, single submitter. Criteria: ACMG Guidelines, 2015. Collection method: clinical testing. Allele origin: germline.
Comment: The TTN c.102214T>C variant is predicted to result in the amino acid substitution p.Trp34072Arg. This variant is alternatively referred to as c.97291T>C (p.Trp32431Arg) in HGMD using NM_001256850 and as c.94510T>C (p.Trp31504Arg) in literature using NM_133378. It has been reported in the compound heterozygous state (confirmed in trans) or with a second TTN truncating variant in at least four individuals with congenital core myopathy and heart disease (Chauveau et al. 2013. PubMed ID: 24105469; Laquerriere et al. 2021. PubMed ID: 33820833; Savarese et al. 2020. PubMed ID: 32778822; Rees et al. 2021. PubMed ID: 33449170). Functional studies demonstrate inability to interact with ligands, reduced thermal stability and lack of catalytic activity (Chauveau et al. 2013. PubMed ID: 24105469; Rees et al. 2021. PubMed ID: 33449170). This variant is reported in 0.0018% of alleles in individuals of European (non-Finnish) descent in gnomAD. This variant is interpreted as pathogenic for autosomal recessive congenital titinopathies and uncertain for autosomal dominant TTN-related cardiac disorders.

Labcorp Genetics (formerly Invitae), Labcorp
Classification: Pathogenic for Dilated cardiomyopathy 1G; Autosomal recessive limb-girdle muscular dystrophy type 2J. Last evaluated: 2026-01-04. Review status: criteria provided, single submitter. Criteria: Invitae Variant Classification Sherloc (09022015). Collection method: clinical testing. Allele origin: germline.
Comment: This sequence change replaces tryptophan, which is neutral and slightly polar, with arginine, which is basic and polar, at codon 34072 of the TTN protein (p.Trp34072Arg). This variant is present in population databases (rs375159973, gnomAD 0.002%). This missense change has been observed in individual(s) with autosomal recessive centronuclear myopathy or congenital myopathy (PMID: 24105469, 30365001, 32778822). In at least one individual the data is consistent with being in trans (on the opposite chromosome) from a pathogenic variant. This variant has been reported in individual(s) with autosomal dominant dilated cardiomyopathy (PMID: 31983221; internal data); however, the role of the variant in this condition is currently unclear. ClinVar contains an entry for this variant (Variation ID: 405075). Algorithms developed to predict the effect of variants on gene product structure and function are not available or were not evaluated for this variant. Experimental studies have shown that this missense change affects TTN function (PMID: 24105469). This variant is located in the M band of TTN (PMID: 25589632). Non-truncating variants in this region may be relevant for neuromuscular disorders, but have not been definitively shown to cause cardiomyopathy (PMID: 23975875). For these reasons, this variant has been classified as Pathogenic.

Women's Health and Genetics/Laboratory Corporation of America, LabCorp
Classification: Pathogenic for Autosomal recessive limb-girdle muscular dystrophy type 2J. Last evaluated: 2024-07-15. Review status: criteria provided, single submitter. Criteria: LabCorp Variant Classification Summary - May 2015. Collection method: clinical testing. Allele origin: germline.
Comment: Variant summary: TTN c.94510T>C (p.Trp31504Arg), also reported as p.Trp34072Arg, results in a non-conservative amino acid change located in the M-band region of the encoded protein sequence. Five of five in-silico tools predict a damaging effect of the variant on protein function. The variant allele was found at a frequency of 8.1e-06 in 246606 control chromosomes. c.94510T>C has been reported in the literature in the presumed compound heterozygous or compound heterozygous state in multiple individuals affected with clinical features of autosomal recessive TTN-related myopathies (example, Chaveau_2014, Avila-Polo_2018, Savarese_2020, Laquerriere_2022, Rees_2021). These data indicate that the variant is likely to be associated with disease. At least one publication reports experimental evidence evaluating an impact on protein function. In vitro experiments have shown this variant severely decreases interaction with binding partners and destabilizes the protein (example, Chaveau_2014, Rees_2021). The following publications have been ascertained in the context of this evaluation (PMID: 30365001, 24105469, 33820833, 31983221, 33449170, 32778822). ClinVar contains an entry for this variant (Variation ID: 405075). Based on the evidence outlined above, the variant was classified as pathogenic.

Molecular Diagnostic Laboratory for Inherited Cardiovascular Disease, Montreal Heart Institute
Classification: Likely pathogenic for Cardiovascular phenotype. Last evaluated: 2023-07-10. Review status: criteria provided, single submitter. Criteria: ACMG Guidelines, 2015. Collection method: clinical testing. Allele origin: germline. Affected: yes.

Clinical Genetics Laboratory, Skane University Hospital Lund
Classification: Pathogenic. Last evaluated: 2023-01-09. Review status: criteria provided, single submitter. Criteria: ACMG Guidelines, 2015. Collection method: clinical testing. Allele origin: germline. Affected: yes.

Johns Hopkins Genomics, Johns Hopkins University
Classification: Likely pathogenic for Autosomal recessive limb-girdle muscular dystrophy type 2J. Last evaluated: 2020-02-18. Review status: criteria provided, single submitter. Criteria: ACMG Guidelines, 2015. Collection method: clinical testing. Allele origin: germline.
Comment: c.102214T>C has been reported in ClinVar. This variant (rs375159973) is rare (<0.1%) in large population datasets (gnomAD: 2/246606 total alleles; 0.0018%; no homozygotes). Two bioinformatics tools queried predict that it would be deleterious. The amino acid residue at this position is evolutionarily conserved across all species assessed. This variant changes a highly conserved amino acid in the core of the TTN serine-threonine kinase (TK) domain and has been reported to have a deleterious effect on protein function. We consider this variant likely pathogenic.

OMIM
Classification: Pathogenic for CONGENITAL MYOPATHY 5 WITH CARDIOMYOPATHY. Last evaluated: 2024-07-16. Review status: no assertion criteria provided. Collection method: literature only. Allele origin: germline. Not counted in ClinVar's aggregate classification.

Literature cited by the submitters: PubMed 24105469 (cited by 4 submitters); PubMed 30365001 (cited by Labcorp Genetics (formerly Invitae), Labcorp and Women's Health and Genetics/Laboratory Corporation of America, LabCorp); PubMed 32778822 (cited by Labcorp Genetics (formerly Invitae), Labcorp and Women's Health and Genetics/Laboratory Corporation of America, LabCorp); PubMed 31983221 (cited by Labcorp Genetics (formerly Invitae), Labcorp and Women's Health and Genetics/Laboratory Corporation of America, LabCorp); PubMed 25589632 (cited by Labcorp Genetics (formerly Invitae), Labcorp); PubMed 23975875 (cited by Labcorp Genetics (formerly Invitae), Labcorp); PubMed 33449170 (cited by Women's Health and Genetics/Laboratory Corporation of America, LabCorp); PubMed 33820833 (cited by Women's Health and Genetics/Laboratory Corporation of America, LabCorp); PubMed 17444505 (cited by Johns Hopkins Genomics, Johns Hopkins University); PubMed 24980681 (cited by Johns Hopkins Genomics, Johns Hopkins University); PubMed 27854229 (cited by Johns Hopkins Genomics, Johns Hopkins University); PubMed 29691892 (cited by Johns Hopkins Genomics, Johns Hopkins University); PubMed 9804419 (cited by Johns Hopkins Genomics, Johns Hopkins University).

NM_001267550.2(TTN):c.102214T>C (p.Trp34072Arg)

Genes: TTN (titin; minus strand), TTN-AS1 (TTN antisense RNA 1; plus strand). Cytogenetic location: 2q31.2.
Variant type: single nucleotide variant.
Coding change: c.102214T>C on transcript NM_001267550.2 (MANE Select); coding-DNA position 102214, T replaced by C.
Protein change: p.Trp34072Arg; replaces tryptophan 34072 with arginine.
Molecular consequence: missense variant.
Genome position (GRCh38, 1-based): chr2:178,534,401, A>G on the plus strand (T>C on the coding strand, the complement: TTN is on the minus strand). VCF-style: chr2-178534401-A-G. GRCh37 (hg19) VCF-style: chr2-179399128-A-G.
Other names: c.97291T>C, p.Trp32431Arg (NM_001256850.1); c.75019T>C, p.Trp25007Arg (NM_003319.4); c.94510T>C, p.Trp31504Arg (NM_133378.4); c.75394T>C, p.Trp25132Arg (NM_133432.3); c.75595T>C, p.Trp25199Arg (NM_133437.4); short protein forms W34072R, W25132R, W25199R, W31504R, W32431R, W25007R.
Identifiers: ClinVar variation 405075 (VCV000405075.17), dbSNP rs375159973, ClinGen allele CA1985790.